The following is an entry in ClinVar:

ClinVar aggregate classification (germline): Likely pathogenic (1 of 4 stars; one submission).

Conditions:
X-linked lymphoproliferative disease due to XIAP deficiency. Also called: XIAP-Related Lymphoproliferative Disease, X-Linked; XIAP DEFICIENCY. Identifiers: Orphanet 2442, Orphanet 538934, MedGen C1845076, MONDO:0010385, OMIM 300635.

Submission:

Labcorp Genetics (formerly Invitae), Labcorp
Classification: Likely pathogenic for X-linked lymphoproliferative disease due to XIAP deficiency. Last evaluated: 2026-01-21. Review status: criteria provided, single submitter. Criteria: Invitae Variant Classification Sherloc (09022015). Collection method: clinical testing. Allele origin: germline.
Comment: This sequence change replaces isoleucine, which is neutral and non-polar, with asparagine, which is neutral and polar, at codon 494 of the XIAP protein (p.Ile494Asn). This variant is not present in population databases (gnomAD no frequency). This missense change has been observed in individuals with clinical features of XIAP Deficiency (PMID: 24942515, 26182687). It has also been observed to segregate with disease in related individuals. Invitae Evidence Modeling of protein sequence and biophysical properties (such as structural, functional, and spatial information, amino acid conservation, physicochemical variation, residue mobility, and thermodynamic stability) indicates that this missense variant is expected to disrupt XIAP protein function with a positive predictive value of 80%. In summary, the currently available evidence indicates that the variant is pathogenic, but additional data are needed to prove that conclusively. Therefore, this variant has been classified as Likely Pathogenic.

Literature cited by the submitters: PubMed 24942515; PubMed 26182687.

NM_001167.4(XIAP):c.1481T>A (p.Ile494Asn)

Gene: XIAP (X-linked inhibitor of apoptosis; plus strand). Cytogenetic location: Xq25.
Variant type: single nucleotide variant.
Coding change: c.1481T>A on transcript NM_001167.4 (MANE Select); coding-DNA position 1481, T replaced by A.
Protein change: p.Ile494Asn; replaces isoleucine 494 with asparagine.
Molecular consequence: missense variant. On other transcripts: non-coding transcript variant (2).
Genome position (GRCh38, 1-based): chrX:123,907,168, T>A. VCF-style: chrX-123907168-T-A. GRCh37 (hg19) VCF-style: chrX-123041018-T-A.
Other names: c.1481T>A, p.Ile494Asn (NM_001204401.2, NM_001378590.1, NM_001378591.1 and 1 more transcripts); short protein forms I494N.
Identifiers: ClinVar variation 4710876 (VCV004710876.1).
Genomic context (GRCh38, chrX:123,907,168, plus strand): 5'-GTGCTGAAGCAGTTGACAAGTGTCCCATGTGCTACACAGTCATTACTTTCAAGCAAAAAA[T>A]TTTTATGTCTTAATCTAACTCTATAGTAGGCATGTTATGTTGTTCTTATTACCCTGATTG-3'
Protein context (NP_001158.2, residues 484-497): CYTVITFKQK[Ile494Asn]FMS